The following is an entry in ClinVar:

ClinVar aggregate classification (germline): Uncertain significance. Review status: criteria provided, multiple submitters, no conflicts (2 of 4 stars). 6 submissions from 6 submitters: Uncertain significance (6). Last evaluated 2025-11-28.

Conditions:
Cardiovascular phenotype. Identifiers: MedGen CN230736.
Dilated cardiomyopathy 1DD (CMD1DD). Identifiers: Orphanet 154, MedGen C2750995, MONDO:0013168, OMIM 613172.

Allele frequency attached by ClinVar (database versions not stated): gnomAD 0.00001; gnomAD exomes 0.00002 and 0.00001; TOPMed below 0.00001.

Submissions (6):

Labcorp Genetics (formerly Invitae), Labcorp
Classification: Uncertain significance for Dilated cardiomyopathy 1DD. Last evaluated: 2025-11-28. Review status: criteria provided, single submitter. Criteria: Invitae Variant Classification Sherloc (09022015). Collection method: clinical testing. Allele origin: germline.
Comment: This sequence change replaces arginine, which is basic and polar, with cysteine, which is neutral and slightly polar, at codon 518 of the RBM20 protein (p.Arg518Cys). This variant is present in population databases (rs369835514, gnomAD 0.004%). This missense change has been observed in individuals with dilated cardiomyopathy (internal data). ClinVar contains an entry for this variant (Variation ID: 202057). Invitae Evidence Modeling of protein sequence and biophysical properties (such as structural, functional, and spatial information, amino acid conservation, physicochemical variation, residue mobility, and thermodynamic stability) has been performed for this missense variant. However, the output from this modeling did not meet the statistical confidence thresholds required to predict the impact of this variant on RBM20 protein function. In summary, the available evidence is currently insufficient to determine the role of this variant in disease. Therefore, it has been classified as a Variant of Uncertain Significance.

Ambry Genetics
Classification: Uncertain significance for Cardiovascular phenotype. Last evaluated: 2025-09-16. Review status: criteria provided, single submitter. Criteria: Ambry Variant Classification Scheme 2023. Collection method: clinical testing. Allele origin: germline.
Comment: The p.R518C variant (also known as c.1552C>T), located in coding exon 6 of the RBM20 gene, results from a C to T substitution at nucleotide position 1552. The arginine at codon 518 is replaced by cysteine, an amino acid with highly dissimilar properties. This variant was reported in one individual from a dilated cardiomyopathy (DCM) cohort (Saito T et al. ESC Heart Fail, 2021 Dec;8:5178-5191). This amino acid position is highly conserved in available vertebrate species. In addition, this alteration is predicted to be deleterious by in silico analysis. Based on the available evidence, the clinical significance of this variant remains unclear.

Women's Health and Genetics/Laboratory Corporation of America, LabCorp
Classification: Uncertain significance. Last evaluated: 2020-06-29. Review status: criteria provided, single submitter. Criteria: LabCorp Variant Classification Summary - May 2015. Collection method: clinical testing. Allele origin: germline.
Comment: Variant summary: RBM20 c.1552C>T (p.Arg518Cys) results in a non-conservative amino acid change located in the RNA recognition motif domain (IPR000504) of the encoded protein sequence. Five of five in-silico tools predict a damaging effect of the variant on protein function. The variant allele was found at a frequency of 1.3e-05 in 156456 control chromosomes (gnomAD). The available data on variant occurrences in the general population are insufficient to allow any conclusion about variant significance. c.1552C>T has been reported in the literature in individual(s) affected with Cardiomyopathy (e.g. Parikh_2019). These report(s) do not provide unequivocal conclusions about association of the variant with Cardiomyopathy. A co-occurrence with a pathogenic variant has been reported (MYBPC3 c.3330+2T>A; Internal testing). To our knowledge, no experimental evidence demonstrating an impact on protein function has been reported. Two ClinVar submitters (evaluation after 2014) cite the variant as uncertain significance. Based on the evidence outlined above, the variant was classified as uncertain significance.

Stanford Center for Inherited Cardiovascular Disease, Stanford University
Classification: Uncertain significance. Last evaluated: 2017-05-16. Review status: criteria provided, single submitter. Criteria: ACMG Guidelines, 2015. Collection method: provider interpretation. Allele origin: germline.

GeneDx
Classification: Uncertain significance. Last evaluated: 2014-04-16. Review status: criteria provided, single submitter. Criteria: GeneDx Variant Classification (06012015). Collection method: clinical testing. Allele origin: germline. Affected: yes.
Comment: The R518C variant has not been published as a mutation or reported as a benign polymorphism to our knowledge. The R518C variant was not observed in approximately 2,200 individuals of European and African American ancestry in the NHLBI Exome Sequencing Project, indicating it is not a common benign variant in these populations. The R518C variant is a non-conservative amino acid substitution, which is likely to impact secondary protein structure as these residues differ in polarity, charge, size and/or other properties. The R518C variant results in a gain of Cysteine residue, which may impact disulfide bonding. This substitution occurs at a position that is conserved across species. In silico analysis is inconsistent in its predictions as to whether or not the variant is damaging to the protein structure/function. Mutations in nearby residues have not been reported in association with cardiomyopathy, indicating this region of the protein may tolerate change. The variant is found in CARDIOMYOPATHY panel(s).

Breakthrough Genomics
Classification: Uncertain significance. Review status: criteria provided, single submitter. Criteria: ACMG Guidelines, 2015. Collection method: not provided. Allele origin: germline. Inheritance: Autosomal dominant inheritance. Affected: yes.

Literature cited by the submitters: PubMed 34486814 (cited by Ambry Genetics); PubMed 30871351 (cited by Women's Health and Genetics/Laboratory Corporation of America, LabCorp).

NM_001134363.3(RBM20):c.1552C>T (p.Arg518Cys)

Gene: RBM20 (RNA binding motif protein 20; plus strand). Cytogenetic location: 10q25.2.
Variant type: single nucleotide variant.
Coding change: c.1552C>T on transcript NM_001134363.3 (MANE Select); coding-DNA position 1552, C replaced by T.
Protein change: p.Arg518Cys; replaces arginine 518 with cysteine.
Molecular consequence: missense variant.
Genome position (GRCh38, 1-based): chr10:110,797,532, C>T. VCF-style: chr10-110797532-C-T. GRCh37 (hg19) VCF-style: chr10-112557290-C-T.
Other names: p.R518C:CGT>TGT; c.1552C>T (LRG_382t1); short protein forms R518C.
Identifiers: ClinVar variation 202057 (VCV000202057.19), dbSNP rs369835514, ClinGen allele CA335537.